The following is an entry in ClinVar:

NM_018249.6(CDK5RAP2):c.3546C>T (p.His1182=)

Gene: CDK5RAP2 (CDK5 regulatory subunit associated protein 2; minus strand). Cytogenetic location: 9q33.2.
Variant type: single nucleotide variant.
Coding change: c.3546C>T on transcript NM_018249.6 (MANE Select); coding-DNA position 3546, C replaced by T.
Protein change: p.His1182=; no amino-acid change (histidine 1182 retained).
Molecular consequence: synonymous variant. On other transcripts: non-coding transcript variant (5).
Genome position (GRCh38, 1-based): chr9:120,439,575, G>A on the plus strand (C>T on the coding strand, the complement: CDK5RAP2 is on the minus strand). VCF-style: chr9-120439575-G-A. GRCh37 (hg19) VCF-style: chr9-123201853-G-A.
Other names: c.3546C>T, p.His1182= (NM_001011649.3); c.2856C>T, p.His952= (NM_001272039.2); c.3447C>T, p.His1149= (NM_001410992.1); c.3450C>T, p.His1150= (NM_001410993.1); c.3543C>T, p.His1181= (NM_001410994.1).
Identifiers: ClinVar variation 3061678 (VCV003061678.2), dbSNP rs773274815, ClinGen allele CA5213817.

ClinVar aggregate classification (germline): Likely benign (0 of 4 stars; one submission).

Conditions:
CDK5RAP2-related disorder. Also called: CDK5RAP2-related condition.

Allele frequency attached by ClinVar (database versions not stated): gnomAD 0.00001; TOPMed 0.00001.
gnomAD v4.1: 37 of 1,614,054 alleles (0.0023%); highest among the groups gnomAD compares: Non-Finnish European, 0.003%; no homozygotes.

Submission:

PreventionGenetics, part of Exact Sciences
Classification: Likely benign for CDK5RAP2-related condition. Last evaluated: 2023-12-21. Review status: no assertion criteria provided. Collection method: clinical testing. Allele origin: germline.
Comment: This variant is classified as likely benign based on ACMG/AMP sequence variant interpretation guidelines (Richards et al. 2015 PMID: 25741868, with internal and published modifications).